The following is an entry in ClinVar:

NM_030761.5(WNT4):c.540G>A (p.Ser180=)

Gene: WNT4 (Wnt family member 4; minus strand). Cytogenetic location: 1p36.12.
Variant type: single nucleotide variant.
Coding change: c.540G>A on transcript NM_030761.5 (MANE Select); coding-DNA position 540, G replaced by A.
Protein change: p.Ser180=; no amino-acid change (serine 180 retained).
Molecular consequence: synonymous variant.
Genome position (GRCh38, 1-based): chr1:22,121,259, C>T on the plus strand (G>A on the coding strand, the complement: WNT4 is on the minus strand). VCF-style: chr1-22121259-C-T. GRCh37 (hg19) VCF-style: chr1-22447752-C-T.
Other names: c.540G>A (NM_030761.4).
Identifiers: ClinVar variation 2848815 (VCV002848815.5), dbSNP rs143835757, ClinGen allele CA675338.

ClinVar aggregate classification (germline): Benign. Review status: criteria provided, single submitter (1 of 4 stars). 2 submissions from 2 submitters: Benign (1). 1 of the submissions does not count toward it. Last evaluated 2025-12-03.

Conditions:
WNT4-related disorder. Also called: WNT4-related condition.

Allele frequency attached by ClinVar (database versions not stated): gnomAD 0.00019; ExAC 0.00015; ESP Exome Variant Server 0.00008; TOPMed 0.00018; gnomAD exomes 0.00016.

Submissions (2):

Labcorp Genetics (formerly Invitae), Labcorp
Classification: Benign. Last evaluated: 2025-12-03. Review status: criteria provided, single submitter. Criteria: Invitae Variant Classification Sherloc (09022015). Collection method: clinical testing. Allele origin: germline.

PreventionGenetics, part of Exact Sciences
Classification: Likely benign for WNT4-related condition. Last evaluated: 2019-07-31. Review status: no assertion criteria provided. Collection method: clinical testing. Allele origin: germline. Not counted in ClinVar's aggregate classification.
Comment: This variant is classified as likely benign based on ACMG/AMP sequence variant interpretation guidelines (Richards et al. 2015 PMID: 25741868, with internal and published modifications).